The following is an entry in ClinVar:

NM_001080449.3(DNA2):c.1722A>G (p.Pro574=)

Gene: DNA2 (DNA replication helicase/nuclease 2; minus strand). Cytogenetic location: 10q21.3.
Variant type: single nucleotide variant.
Coding change: c.1722A>G on transcript NM_001080449.3 (MANE Select); coding-DNA position 1722, A replaced by G.
Protein change: p.Pro574=; no amino-acid change (proline 574 retained).
Molecular consequence: synonymous variant. On other transcripts: non-coding transcript variant (1).
Genome position (GRCh38, 1-based): chr10:68,432,435, T>C on the plus strand (A>G on the coding strand, the complement: DNA2 is on the minus strand). VCF-style: chr10-68432435-T-C. GRCh37 (hg19) VCF-style: chr10-70192192-T-C.
Identifiers: ClinVar variation 2122707 (VCV002122707.11), dbSNP rs777217386, ClinGen allele CA5524999.

ClinVar aggregate classification (germline): Likely benign. Review status: criteria provided, multiple submitters, no conflicts (2 of 4 stars). 2 submissions from 2 submitters: Likely benign (2). Last evaluated 2025-03-01.

Allele frequency attached by ClinVar (database versions not stated): gnomAD exomes below 0.00001.
gnomAD v4.1: 3 of 1,598,744 alleles (0.00019%); highest among the groups gnomAD compares: Non-Finnish European, 0.00026%; no homozygotes.

Submissions (2):

CeGaT Center for Human Genetics Tuebingen
Classification: Likely benign. Last evaluated: 2025-03-01. Review status: criteria provided, single submitter. Criteria: CeGaT Center For Human Genetics Tuebingen Variant Classification Criteria Version 2. Collection method: clinical testing. Allele origin: germline. Affected: yes. Observed: 1 variant allele.
Comment: DNA2: BP4, BP7

Labcorp Genetics (formerly Invitae), Labcorp
Classification: Likely benign. Last evaluated: 2024-02-24. Review status: criteria provided, single submitter. Criteria: Invitae Variant Classification Sherloc (09022015). Collection method: clinical testing. Allele origin: germline.